The following is an entry in ClinVar:

NM_004527.4(MEOX1):c.505A>G (p.Ser169Gly)

Gene: MEOX1 (mesenchyme homeobox 1; minus strand). Cytogenetic location: 17q21.31.
Variant type: single nucleotide variant.
Coding change: c.505A>G on transcript NM_004527.4 (MANE Select); coding-DNA position 505, A replaced by G.
Protein change: p.Ser169Gly; replaces serine 169 with glycine.
Molecular consequence: missense variant. On other transcripts: intron variant (1).
Genome position (GRCh38, 1-based): chr17:43,643,625, T>C on the plus strand (A>G on the coding strand, the complement: MEOX1 is on the minus strand). VCF-style: chr17-43643625-T-C. GRCh37 (hg19) VCF-style: chr17-41720993-T-C.
Other names: c.160A>G, p.Ser54Gly (NM_001040002.2); c.470-1593A>G (NM_013999.4); short protein forms S54G, S169G.
Identifiers: ClinVar variation 1466738 (VCV001466738.6), dbSNP rs139947777, ClinGen allele CA8592603.

ClinVar aggregate classification (germline): Uncertain significance (1 of 4 stars; one submission).

Allele frequency attached by ClinVar (database versions not stated): gnomAD exomes below 0.00001 and 0.00002; ExAC 0.00003; TOPMed 0.00005; gnomAD 0.00006; ESP Exome Variant Server 0.00015.
gnomAD v4.1: 17 of 1,613,466 alleles (0.0011%); highest among the groups gnomAD compares: African/African-American, 0.019%; no homozygotes.

Submission:

Labcorp Genetics (formerly Invitae), Labcorp
Classification: Uncertain significance. Last evaluated: 2021-08-05. Review status: criteria provided, single submitter. Criteria: Invitae Variant Classification Sherloc (09022015). Collection method: clinical testing. Allele origin: germline.
Comment: This sequence change replaces serine with glycine at codon 169 of the MEOX1 protein (p.Ser169Gly). The serine residue is highly conserved and there is a small physicochemical difference between serine and glycine. This variant is present in population databases (rs139947777, ExAC 0.03%). This variant has not been reported in the literature in individuals affected with MEOX1-related conditions. Algorithms developed to predict the effect of missense changes on protein structure and function output the following: SIFT: "Tolerated"; PolyPhen-2: "Benign"; Align-GVGD: "Class C0". The glycine amino acid residue is found in multiple mammalian species, which suggests that this missense change does not adversely affect protein function. In summary, the available evidence is currently insufficient to determine the role of this variant in disease. Therefore, it has been classified as a Variant of Uncertain Significance.